The following is an entry in ClinVar:

NM_014159.7(SETD2):c.523G>T (p.Ala175Ser)

Gene: SETD2 (SET domain containing 2, histone lysine methyltransferase; minus strand). Cytogenetic location: 3p21.31.
Variant type: single nucleotide variant.
Coding change: c.523G>T on transcript NM_014159.7 (MANE Select); coding-DNA position 523, G replaced by T.
Protein change: p.Ala175Ser; replaces alanine 175 with serine.
Molecular consequence: missense variant. On other transcripts: non-coding transcript variant (1).
Genome position (GRCh38, 1-based): chr3:47,124,113, C>A on the plus strand (G>T on the coding strand, the complement: SETD2 is on the minus strand). VCF-style: chr3-47124113-C-A. GRCh37 (hg19) VCF-style: chr3-47165603-C-A.
Other names: c.391G>T, p.Ala131Ser (NM_001349370.3); short protein forms A131S, A175S.
Identifiers: ClinVar variation 943311 (VCV000943311.7), dbSNP rs561734692, ClinGen allele CA2363747.
Genomic context (GRCh38, chr3:47,124,113, plus strand): 5'-GAGGCGGTGGAGGCGGAGATGAGGGCGGTGAGTCTACAGTTGTTGATTCTGCTATCACTG[C>A]TGGTAATGGTGCTGCATGAGTAGGTGGAGATGCTACTGCTGTGGTAGTAGCCAGCAGTGG-3'
Protein context (NP_054878.5, residues 165-185): SPPTHAAPLP[Ala175Ser]VIAESTTVDS

ClinVar aggregate classification (germline): Uncertain significance (1 of 4 stars; one submission).

Conditions:
Luscan-Lumish syndrome. Identifiers: Orphanet 597738, MedGen C4085873, MONDO:0014791, OMIM 616831.

Allele frequency attached by ClinVar (database versions not stated): gnomAD below 0.00001 and 0.00002; TOPMed below 0.00001; gnomAD exomes 0.00003; ExAC 0.00004; 1000 Genomes Project 30x 0.00031; 1000 Genomes Project 0.00040.
gnomAD v4.1: 7 of 1,551,948 alleles (0.00045%); highest among the groups gnomAD compares: South Asian, 0.0083%; no homozygotes.

Submission:

Labcorp Genetics (formerly Invitae), Labcorp
Classification: Uncertain significance for Luscan-Lumish syndrome. Last evaluated: 2019-10-09. Review status: criteria provided, single submitter. Criteria: Invitae Variant Classification Sherloc (09022015). Collection method: clinical testing. Allele origin: germline.
Comment: This sequence change replaces alanine with serine at codon 175 of the SETD2 protein (p.Ala175Ser). The alanine residue is weakly conserved and there is a moderate physicochemical difference between alanine and serine. This variant is present in population databases (rs561734692, ExAC 0.01%). This variant has not been reported in the literature in individuals with SETD2-related conditions. Algorithms developed to predict the effect of missense changes on protein structure and function (SIFT, PolyPhen-2, Align-GVGD) all suggest that this variant is likely to be tolerated, but these predictions have not been confirmed by published functional studies and their clinical significance is uncertain. In summary, the available evidence is currently insufficient to determine the role of this variant in disease. Therefore, it has been classified as a Variant of Uncertain Significance.